The following is an entry in ClinVar:

NM_173630.4(RTTN):c.1963G>A (p.Val655Met)

Gene: RTTN (rotatin; minus strand). Cytogenetic location: 18q22.2.
Variant type: single nucleotide variant.
Coding change: c.1963G>A on transcript NM_173630.4 (MANE Select); coding-DNA position 1963, G replaced by A.
Protein change: p.Val655Met; replaces valine 655 with methionine.
Molecular consequence: missense variant. On other transcripts: 5 prime UTR variant (1).
Genome position (GRCh38, 1-based): chr18:70,150,700, C>T on the plus strand (G>A on the coding strand, the complement: RTTN is on the minus strand). VCF-style: chr18-70150700-C-T. GRCh37 (hg19) VCF-style: chr18-67817936-C-T.
Other names: c.-685G>A (NM_001318520.2); short protein forms V655M.
Identifiers: ClinVar variation 1313519 (VCV001313519.4), dbSNP rs747101627, ClinGen allele CA8996023.

ClinVar aggregate classification (germline): Uncertain significance. Review status: criteria provided, multiple submitters, no conflicts (2 of 4 stars). 3 submissions from 3 submitters: Uncertain significance (3). Last evaluated 2024-01-04.

Conditions:
Inborn genetic diseases. Identifiers: MedGen C0950123, MeSH D030342.

Allele frequency attached by ClinVar (database versions not stated): ExAC 0.00002; gnomAD exomes 0.00002 and 0.00003.
gnomAD v4.1: 42 of 1,607,976 alleles (0.0026%); highest among the groups gnomAD compares: South Asian, 0.011%; no homozygotes.

Submissions (3):

Ambry Genetics
Classification: Uncertain significance for Inborn genetic diseases. Last evaluated: 2024-01-04. Review status: criteria provided, single submitter. Criteria: Ambry Variant Classification Scheme 2023. Collection method: clinical testing. Allele origin: germline.

GeneDx
Classification: Uncertain significance. Last evaluated: 2020-10-26. Review status: criteria provided, single submitter. Criteria: GeneDx Variant Classification Process June 2021. Collection method: clinical testing. Allele origin: germline. Affected: yes.
Comment: Not observed at a significant frequency in large population cohorts (Lek et al., 2016); In silico analysis supports that this missense variant does not alter protein structure/function; Has not been previously published as pathogenic or benign to our knowledge

Breakthrough Genomics
Classification: Uncertain significance. Review status: criteria provided, single submitter. Criteria: ACMG Guidelines, 2015. Collection method: not provided. Allele origin: germline. Inheritance: Autosomal recessive inheritance. Affected: yes.